The following is an entry in ClinVar:

ClinVar aggregate classification (germline): Uncertain significance (1 of 4 stars; one submission).

Allele frequency attached by ClinVar (database versions not stated): TOPMed below 0.00001; gnomAD 0.00002; gnomAD exomes 0.00002.
gnomAD v4.1: 26 of 1,209,568 alleles (0.0021%); highest among the groups gnomAD compares: Non-Finnish European, 0.0028%; no homozygotes.

Submission:

Labcorp Genetics (formerly Invitae), Labcorp
Classification: Uncertain significance. Last evaluated: 2022-01-15. Review status: criteria provided, single submitter. Criteria: Invitae Variant Classification Sherloc (09022015). Collection method: clinical testing. Allele origin: germline.
Comment: In summary, the available evidence is currently insufficient to determine the role of this variant in disease. Therefore, it has been classified as a Variant of Uncertain Significance. Algorithms developed to predict the effect of missense changes on protein structure and function are either unavailable or do not agree on the potential impact of this missense change (SIFT: "Deleterious"; PolyPhen-2: "Benign"; Align-GVGD: "Class C0"). This variant has not been reported in the literature in individuals affected with TIMM8A-related conditions. This variant is not present in population databases (gnomAD no frequency). This sequence change replaces serine, which is neutral and polar, with phenylalanine, which is neutral and non-polar, at codon 5 of the TIMM8A protein (p.Ser5Phe).

NM_004085.4(TIMM8A):c.14C>T (p.Ser5Phe)

Gene: TIMM8A (translocase of inner mitochondrial membrane 8A; minus strand). Cytogenetic location: Xq22.1.
Variant type: single nucleotide variant.
Coding change: c.14C>T on transcript NM_004085.4 (MANE Select); coding-DNA position 14, C replaced by T.
Protein change: p.Ser5Phe; replaces serine 5 with phenylalanine.
Molecular consequence: missense variant.
Genome position (GRCh38, 1-based): chrX:101,348,651, G>A on the plus strand (C>T on the coding strand, the complement: TIMM8A is on the minus strand). VCF-style: chrX-101348651-G-A. GRCh37 (hg19) VCF-style: chrX-100603639-G-A.
Other names: c.14C>T, p.Ser5Phe (NM_001145951.2); short protein forms S5F.
Identifiers: ClinVar variation 2155890 (VCV002155890.4), dbSNP rs1029423353, ClinGen allele CA333095753.